The following is an entry in ClinVar:

NM_012452.3(TNFRSF13B):c.121G>C (p.Asp41His)

Gene: TNFRSF13B (TNF receptor superfamily member 13B; minus strand). Cytogenetic location: 17p11.2.
Variant type: single nucleotide variant.
Coding change: c.121G>C on transcript NM_012452.3 (MANE Select); coding-DNA position 121, G replaced by C.
Protein change: p.Asp41His; replaces aspartic acid 41 with histidine.
Molecular consequence: missense variant.
Genome position (GRCh38, 1-based): chr17:16,952,524, C>G on the plus strand (G>C on the coding strand, the complement: TNFRSF13B is on the minus strand). VCF-style: chr17-16952524-C-G. GRCh37 (hg19) VCF-style: chr17-16855838-C-G.
Other names: c.121G>C (NM_012452.2); short protein forms D41H.
Identifiers: ClinVar variation 1437813 (VCV001437813.13), dbSNP rs67951770, ClinGen allele CA8414109.
Genomic context (GRCh38, chr17:16,952,524, plus strand): 5'-TGCGCTGGCTCTGATGGTTGCAAATGGTTTTGCAGGACATGCAGGTACCCAGCAGAGGAT[C>G]CCAGTACTGCTCTTCGGGGCAGGATCTCATAGCCACCCCCGTCCACAGGCCCTGTGGAAC-3'
Protein context (NP_036584.1, residues 31-51): MRSCPEEQYW[Asp41His]PLLGTCMSCK

ClinVar aggregate classification (germline): Uncertain significance. Review status: criteria provided, multiple submitters, no conflicts (2 of 4 stars). 3 submissions from 3 submitters: Uncertain significance (3). Last evaluated 2026-10-17.

Conditions:
TNFRSF13B-related disorder. Also called: TNFRSF13B-related condition.
Immunodeficiency, common variable, 2 (CVID2). Also called: ANTIBODY DEFICIENCY DUE TO TACI DEFECT; HYPOGAMMAGLOBULINEMIA DUE TO TACI DEFICIENCY. Identifiers: Orphanet 1572, MedGen C3150354, MONDO:0009413, OMIM 240500.

Allele frequency attached by ClinVar (database versions not stated): 1000 Genomes Project 0.00040; 1000 Genomes Project 30x 0.00062.
gnomAD v4.1: 10 of 1,614,180 alleles (0.00062%); highest among the groups gnomAD compares: Admixed American, 0.015%; no homozygotes.

Submissions (3):

GeneDx
Classification: Uncertain significance. Last evaluated: 2026-10-17. Review status: criteria provided, single submitter. Criteria: GeneDx Variant Classification Process June 2021. Collection method: clinical testing. Allele origin: germline.
Comment: Observed with c.298dup (reported as c.298insT) on the same allele (in cis) in a patient with common variable immune deficiency, recurrent chronic parotitis, and hepatospenolmegaly in published literature (PMID: 18981294); Surface expression studies suggest that the D41H variant does not substantially affect TNFRSF13B function (PMID: 21419480); In silico analysis supports that this missense variant has a deleterious effect on protein structure/function; This variant is associated with the following publications: (PMID: 21419480, 18981294, 32284663)

Labcorp Genetics (formerly Invitae), Labcorp
Classification: Uncertain significance for Immunodeficiency, common variable, 2. Last evaluated: 2025-11-10. Review status: criteria provided, single submitter. Criteria: Invitae Variant Classification Sherloc (09022015). Collection method: clinical testing. Allele origin: germline.
Comment: This sequence change replaces aspartic acid, which is acidic and polar, with histidine, which is basic and polar, at codon 41 of the TNFRSF13B protein (p.Asp41His). This variant is present in population databases (rs67951770, gnomAD 0.003%). This missense change has been observed in individual(s) with common variable immunodeficiency (PMID: 18981294). ClinVar contains an entry for this variant (Variation ID: 1437813). Invitae Evidence Modeling of protein sequence and biophysical properties (such as structural, functional, and spatial information, amino acid conservation, physicochemical variation, residue mobility, and thermodynamic stability) has been performed for this missense variant. However, the output from this modeling did not meet the statistical confidence thresholds required to predict the impact of this variant on TNFRSF13B protein function. Experimental studies have shown that this missense change does not substantially affect TNFRSF13B function (PMID: 21419480). In summary, the available evidence is currently insufficient to determine the role of this variant in disease. Therefore, it has been classified as a Variant of Uncertain Significance.

PreventionGenetics, part of Exact Sciences
Classification: Uncertain significance for TNFRSF13B-related condition. Last evaluated: 2025-04-18. Review status: criteria provided, single submitter. Criteria: ACMG Guidelines, 2015. Collection method: clinical testing. Allele origin: germline.
Comment: The TNFRSF13B c.121G>C variant is predicted to result in the amino acid substitution p.Asp41His. This variant has been reported in the heterozygous state along with a second TNFRSF13B variant on the same allele (c.298dupT, p.Cys100Leufs*6) in one individual with common variable immunodeficiency disorder (CVID) as well as two unaffected family members (Salzer et al. 2009. PubMed ID: 18981294). A functional study shows that this variant has no apparent affect on protein function (Fried AJ et al. 2011. PubMed ID: 21419480). This variant is reported in 0.0058% of alleles in individuals of Latino descent in gnomAD. At this time, the clinical significance of this variant is uncertain due to the absence of conclusive functional and genetic evidence.

Literature cited by the submitters: PubMed 18981294 (cited by Labcorp Genetics (formerly Invitae), Labcorp); PubMed 21419480 (cited by Labcorp Genetics (formerly Invitae), Labcorp).